The following is an entry in ClinVar:

ClinVar aggregate classification (germline): Uncertain significance (1 of 4 stars; one submission).

Conditions:
Familial cold autoinflammatory syndrome 3 (FCAS3). Also called: FAMILIAL ATYPICAL COLD URTICARIA; ANTIBODY DEFICIENCY AND IMMUNE DYSREGULATION, PLCG2-ASSOCIATED. Identifiers: Orphanet 300359, MedGen C3280914, MONDO:0013766, OMIM 614468.

Submission:

Labcorp Genetics (formerly Invitae), Labcorp
Classification: Uncertain significance for Familial cold autoinflammatory syndrome 3. Last evaluated: 2025-01-28. Review status: criteria provided, single submitter. Criteria: Invitae Variant Classification Sherloc (09022015). Collection method: clinical testing. Allele origin: germline.
Comment: This sequence change replaces serine, which is neutral and polar, with arginine, which is basic and polar, at codon 1236 of the PLCG2 protein (p.Ser1236Arg). This variant is not present in population databases (gnomAD no frequency). This variant has not been reported in the literature in individuals affected with PLCG2-related conditions. An algorithm developed to predict the effect of missense changes on protein structure and function (PolyPhen-2) suggests that this variant is likely to be tolerated. In summary, the available evidence is currently insufficient to determine the role of this variant in disease. Therefore, it has been classified as a Variant of Uncertain Significance.

NM_002661.5(PLCG2):c.3708T>G (p.Ser1236Arg)

Gene: PLCG2 (phospholipase C gamma 2; plus strand). Cytogenetic location: 16q23.3.
Variant type: single nucleotide variant.
Coding change: c.3708T>G on transcript NM_002661.5 (MANE Select); coding-DNA position 3708, T replaced by G.
Protein change: p.Ser1236Arg; replaces serine 1236 with arginine.
Molecular consequence: missense variant.
Genome position (GRCh38, 1-based): chr16:81,956,832, T>G. VCF-style: chr16-81956832-T-G. GRCh37 (hg19) VCF-style: chr16-81990437-T-G.
Other names: c.3708T>G, p.Ser1236Arg (NM_001425749.1, NM_001425750.1, NM_001425751.1); short protein forms S1236R.
Identifiers: ClinVar variation 3729729 (VCV003729729.2).